The following is an entry in ClinVar:

NM_002025.4(AFF2):c.3427T>G (p.Phe1143Val)

Gene: AFF2 (ALF transcription elongation factor 2; plus strand). Cytogenetic location: Xq28.
Variant type: single nucleotide variant.
Coding change: c.3427T>G on transcript NM_002025.4 (MANE Select); coding-DNA position 3427, T replaced by G.
Protein change: p.Phe1143Val; replaces phenylalanine 1143 with valine.
Molecular consequence: missense variant.
Genome position (GRCh38, 1-based): chrX:148,977,955, T>G. VCF-style: chrX-148977955-T-G. GRCh37 (hg19) VCF-style: chrX-148059485-T-G.
Other names: c.3322T>G, p.Phe1108Val (NM_001169122.2, NM_001169124.2); c.3397T>G, p.Phe1133Val (NM_001169123.2); c.3310T>G, p.Phe1104Val (NM_001169125.2); c.2350T>G, p.Phe784Val (NM_001170628.1); short protein forms F1104V, F1108V, F1133V, F1143V, F784V.
Identifiers: ClinVar variation 3603149 (VCV003603149.1).
Genomic context (GRCh38, chrX:148,977,955, plus strand): 5'-ATACAGATTCCACTTTAGCTTTTCTTTTCTCTTCAAAGGTATGCAATGAGGCTGAAGAAC[T>G]TTGCAAGTCCCTTGGCTTCGGATGGGGACAAAAAGCTAGCAGTACTATGGTGAGTCCCAT-3'
Protein context (NP_002016.2, residues 1133-1153): LLRYAMRLKN[Phe1143Val]ASPLASDGDK

ClinVar aggregate classification (germline): Uncertain significance (1 of 4 stars; one submission).

Submission:

GeneDx
Classification: Uncertain significance. Last evaluated: 2024-08-05. Review status: criteria provided, single submitter. Criteria: GeneDx Variant Classification Process June 2021. Collection method: clinical testing. Allele origin: germline. Affected: yes.
Comment: Not observed at significant frequency in large population cohorts (gnomAD); In silico analysis supports that this missense variant has a deleterious effect on protein structure/function; Has not been previously published as pathogenic or benign to our knowledge